The following is an entry in ClinVar:

ClinVar aggregate classification (germline): Uncertain significance. Review status: criteria provided, multiple submitters, no conflicts (2 of 4 stars). 2 submissions from 2 submitters: Uncertain significance (2). Last evaluated 2023-05-27.

Allele frequency attached by ClinVar (database versions not stated): gnomAD 0.00001; gnomAD exomes 0.00001; ExAC 0.00002; TOPMed 0.00002.
gnomAD v4.1: 22 of 1,614,082 alleles (0.0014%); highest among the groups gnomAD compares: Non-Finnish European, 0.0016%; no homozygotes.

Submissions (2):

Labcorp Genetics (formerly Invitae), Labcorp
Classification: Uncertain significance. Last evaluated: 2023-05-27. Review status: criteria provided, single submitter. Criteria: Invitae Variant Classification Sherloc (09022015). Collection method: clinical testing. Allele origin: germline.
Comment: An algorithm developed to predict the effect of missense changes on protein structure and function (PolyPhen-2) suggests that this variant is likely to be tolerated. ClinVar contains an entry for this variant (Variation ID: 2275371). This variant has not been reported in the literature in individuals affected with FAT2-related conditions. This variant is present in population databases (rs763502422, gnomAD 0.003%). This sequence change replaces alanine, which is neutral and non-polar, with aspartic acid, which is acidic and polar, at codon 4100 of the FAT2 protein (p.Ala4100Asp). In summary, the available evidence is currently insufficient to determine the role of this variant in disease. Therefore, it has been classified as a Variant of Uncertain Significance.

Ambry Genetics
Classification: Uncertain significance. Last evaluated: 2022-02-03. Review status: criteria provided, single submitter. Criteria: Ambry Variant Classification Scheme 2023. Collection method: clinical testing. Allele origin: germline.

NM_001447.3(FAT2):c.12299C>A (p.Ala4100Asp)

Genes: FAT2 (FAT atypical cadherin 2; minus strand), SLC36A1 (solute carrier family 36 member 1; plus strand). Cytogenetic location: 5q33.1.
Variant type: single nucleotide variant.
Coding change: c.12299C>A on transcript NM_001447.3 (MANE Select); coding-DNA position 12299, C replaced by A.
Protein change: p.Ala4100Asp; replaces alanine 4100 with aspartic acid.
Molecular consequence: missense variant.
Genome position (GRCh38, 1-based): chr5:151,507,372, G>T on the plus strand (C>A on the coding strand, the complement: FAT2 is on the minus strand). VCF-style: chr5-151507372-G-T. GRCh37 (hg19) VCF-style: chr5-150886933-G-T.
Other names: short protein forms A4100D.
Identifiers: ClinVar variation 2275371 (VCV002275371.5), dbSNP rs763502422, ClinGen allele CA3519811.